The following is an entry in ClinVar:

NM_000067.3(CA2):c.503C>G (p.Thr168Arg)

Gene: CA2 (carbonic anhydrase 2; plus strand). Cytogenetic location: 8q21.2.
Variant type: single nucleotide variant.
Coding change: c.503C>G on transcript NM_000067.3 (MANE Select); coding-DNA position 503, C replaced by G.
Protein change: p.Thr168Arg; replaces threonine 168 with arginine.
Molecular consequence: missense variant.
Genome position (GRCh38, 1-based): chr8:85,475,856, C>G. VCF-style: chr8-85475856-C-G. GRCh37 (hg19) VCF-style: chr8-86388085-C-G.
Other names: c.200C>G, p.Thr67Arg (NM_001293675.2); short protein forms T168R, T67R.
Identifiers: ClinVar variation 1312285 (VCV001312285.2), dbSNP rs1166298387, ClinGen allele CA371430469.
Genomic context (GRCh38, chr8:85,475,856, plus strand): 5'-AGGTTGGCAGCGCTAAACCGGGCCTTCAGAAAGTTGTTGATGTGCTGGATTCCATTAAAA[C>G]AAAGGTAAATTTGAATTTTCTGCCACCTCCTTAGGGTACCAATTTTCAATACTCCATTGG-3'
Protein context (NP_000058.1, residues 158-178): KVVDVLDSIK[Thr168Arg]KGKSADFTNF

ClinVar aggregate classification (germline): Uncertain significance (1 of 4 stars; one submission).

Allele frequency attached by ClinVar (database versions not stated): TOPMed below 0.00001; gnomAD 0.00001; gnomAD exomes 0.00001.
gnomAD v4.1: 9 of 1,613,632 alleles (0.00056%); highest among the groups gnomAD compares: Non-Finnish European, 0.00076%; no homozygotes.

Submission:

GeneDx
Classification: Uncertain significance. Last evaluated: 2019-09-24. Review status: criteria provided, single submitter. Criteria: GeneDx Variant Classification Process June 2021. Collection method: clinical testing. Allele origin: germline. Affected: yes.
Comment: In silico analysis, which includes protein predictors and evolutionary conservation, supports a deleterious effect; Has not been previously published as pathogenic or benign to our knowledge